The following is an entry in ClinVar:

ClinVar aggregate classification (germline): Conflicting classifications of pathogenicity. Review status: criteria provided, conflicting classifications (1 of 4 stars). 8 submissions from 8 submitters: Uncertain significance (4); Likely benign (4). Last evaluated 2026-01-12.

Conditions:
Spastic paraplegia. Identifiers: MedGen C0037772, HP:0001258.
Inborn genetic diseases. Identifiers: MedGen C0950123, MeSH D030342.
Hereditary spastic paraplegia. Also called: Familial spastic paraparesis. Identifiers: Orphanet 685, MedGen C0037773, MONDO:0019064. Disease mechanism: loss of function.

Allele frequency attached by ClinVar (database versions not stated): 1000 Genomes Project 30x 0.00016; 1000 Genomes Project 0.00020; ESP Exome Variant Server 0.00023; gnomAD 0.00031 and 0.00038; ExAC 0.00040; gnomAD exomes 0.00049; TOPMed 0.00054.
gnomAD v4.1: 593 of 1,614,160 alleles (0.037%); highest among the groups gnomAD compares: Middle Eastern, 0.49%; 3 homozygotes.

Submissions (9):

Labcorp Genetics (formerly Invitae), Labcorp
Classification: Likely benign for Spastic paraplegia. Last evaluated: 2026-01-12. Review status: criteria provided, single submitter. Criteria: Invitae Variant Classification Sherloc (09022015). Collection method: clinical testing. Allele origin: germline.

Blueprint Genetics
Classification: Likely benign. Last evaluated: 2024-11-26. Review status: criteria provided, single submitter. Criteria: ACMG Guidelines, 2015. Collection method: clinical testing. Allele origin: germline.

Ambry Genetics
Classification: Uncertain significance for Inborn genetic diseases. Last evaluated: 2023-04-21. Review status: criteria provided, single submitter. Criteria: Ambry Variant Classification Scheme 2023. Collection method: clinical testing. Allele origin: germline.

CeGaT Center for Human Genetics Tuebingen
Classification: Likely benign. Last evaluated: 2022-08-01. Review status: criteria provided, single submitter. Criteria: CeGaT Center For Human Genetics Tuebingen Variant Classification Criteria Version 2. Collection method: clinical testing. Allele origin: germline. Affected: yes. Observed: 2 variant alleles.
Comment: AP4S1: BP4

Mayo Clinic Laboratories, Mayo Clinic
Classification: Uncertain significance. Last evaluated: 2020-05-06. Review status: criteria provided, single submitter. Criteria: ACMG Guidelines, 2015. Collection method: clinical testing. Allele origin: germline. Observed: 1 variant allele.

Genome Diagnostics Laboratory, The Hospital for Sick Children
Classification: Uncertain significance for Hereditary spastic paraplegia. Last evaluated: 2019-10-01. Review status: criteria provided, single submitter. Criteria: ACMG Guidelines, 2015. Collection method: clinical testing. Allele origin: germline. Affected: yes.

GeneDx
Classification: Likely benign. Last evaluated: 2018-11-27. Review status: criteria provided, single submitter. Criteria: GeneDx Variant Classification Process June 2021. Collection method: clinical testing. Allele origin: germline. Affected: yes.

Genetic Services Laboratory, University of Chicago
Classification: Uncertain significance. Last evaluated: 2014-02-12. Review status: criteria provided, single submitter. Criteria: ACMG Guidelines, 2007. Collection method: clinical testing. Allele origin: germline. Inheritance: Autosomal recessive inheritance.

Dr. Peter K. Rogan Lab, Western University
No classification provided (evidence only). Condition: Thyroid cancer, nonmedullary, 1. Review status: no classification provided. Collection method: in vitro. Allele origin: not applicable. Functional consequence: retained intron. Not counted in ClinVar's aggregate classification.

Literature cited by the submitters: PubMed 26350204 (cited by Ambry Genetics).

NM_001128126.3(AP4S1):c.306+4191A>G

Gene: AP4S1 (adaptor related protein complex 4 subunit sigma 1; plus strand). Cytogenetic location: 14q12.
Variant type: single nucleotide variant.
Coding change: c.306+4191A>G on transcript NM_001128126.3 (MANE Select); 4191 bases into the intron after coding-DNA position 306, A replaced by G.
Molecular consequence: intron variant. On other transcripts: missense variant (2), 3 prime UTR variant (1).
Genome position (GRCh38, 1-based): chr14:31,084,775, A>G. VCF-style: chr14-31084775-A-G. GRCh37 (hg19) VCF-style: chr14-31553981-A-G.
Other names: c.301A>G, p.Ile101Val (NM_001254726.2); c.*45A>G (NM_001254727.2); c.373A>G, p.Ile125Val (NM_007077.5); c.306+4191A>G (NM_001254729.2, NM_001254728.2); short protein forms I125V, I101V.
Identifiers: ClinVar variation 128407 (VCV000128407.57), dbSNP rs200969079, ClinGen allele CA230890.
Genomic context (GRCh38, chr14:31,084,775, plus strand): 5'-CTTGGTAGATTTATTTAAGACTTCAAATTTTATGAATTAAGGTGTTTTTTTTAGGAACCA[A>G]TTGATGAACTTCCCAAAATATGCTCAGCCCTGGAGCCCCAGCAGACTTGCTTTTCTCCAG-3'